The following is an entry in ClinVar:

ClinVar aggregate classification (germline): Uncertain significance (1 of 4 stars; one submission).

Allele frequency attached by ClinVar (database versions not stated): TOPMed below 0.00001.

Submission:

Labcorp Genetics (formerly Invitae), Labcorp
Classification: Uncertain significance. Last evaluated: 2023-11-10. Review status: criteria provided, single submitter. Criteria: Invitae Variant Classification Sherloc (09022015). Collection method: clinical testing. Allele origin: germline.
Comment: This sequence change affects codon 34 of the PLD3 mRNA. It is a 'silent' change, meaning that it does not change the encoded amino acid sequence of the PLD3 protein. This variant also falls at the last nucleotide of exon 4, which is part of the consensus splice site for this exon. This variant is not present in population databases (gnomAD no frequency). This variant has not been reported in the literature in individuals affected with PLD3-related conditions. Variants that disrupt the consensus splice site are a relatively common cause of aberrant splicing (PMID: 17576681, 9536098). Algorithms developed to predict the effect of sequence changes on RNA splicing suggest that this variant is not likely to affect RNA splicing. In summary, the available evidence is currently insufficient to determine the role of this variant in disease. Therefore, it has been classified as a Variant of Uncertain Significance.

Literature cited by the submitters: PubMed 17576681; PubMed 9536098.

NM_012268.4(PLD3):c.102G>A (p.Lys34=)

Gene: PLD3 (phospholipase D family member 3; plus strand). Cytogenetic location: 19q13.2.
Variant type: single nucleotide variant.
Coding change: c.102G>A on transcript NM_012268.4 (MANE Select); coding-DNA position 102, G replaced by A.
Protein change: p.Lys34=; no amino-acid change (lysine 34 retained).
Molecular consequence: synonymous variant.
Genome position (GRCh38, 1-based): chr19:40,366,684, G>A. VCF-style: chr19-40366684-G-A. GRCh37 (hg19) VCF-style: chr19-40872591-G-A.
Other names: c.102G>A, p.Lys34= (NM_001031696.4, NM_001291311.2).
Identifiers: ClinVar variation 2694880 (VCV002694880.3), dbSNP rs1420596427, ClinGen allele CA507676488.